The following is an entry in ClinVar:

ClinVar aggregate classification (germline): Uncertain significance (1 of 4 stars; one submission).

Submission:

GeneDx
Classification: Uncertain significance. Last evaluated: 2019-11-13. Review status: criteria provided, single submitter. Criteria: GeneDx Variant Classification Process June 2021. Collection method: clinical testing. Allele origin: germline. Affected: yes.
Comment: Has not been previously published as pathogenic or benign to our knowledge; Not observed in large population cohorts (Lek et al., 2016); In silico analysis, which includes protein predictors and evolutionary conservation, supports that this variant does not alter protein structure/function

NM_016120.4(RLIM):c.496G>A (p.Glu166Lys)

Gene: RLIM (ring finger protein, LIM domain interacting; minus strand). Cytogenetic location: Xq13.2.
Variant type: single nucleotide variant.
Coding change: c.496G>A on transcript NM_016120.4 (MANE Select); coding-DNA position 496, G replaced by A.
Protein change: p.Glu166Lys; replaces glutamic acid 166 with lysine.
Molecular consequence: missense variant.
Genome position (GRCh38, 1-based): chrX:74,592,819, C>T on the plus strand (G>A on the coding strand, the complement: RLIM is on the minus strand). VCF-style: chrX-74592819-C-T. GRCh37 (hg19) VCF-style: chrX-73812654-C-T.
Other names: c.496G>A, p.Glu166Lys (NM_183353.3); short protein forms E166K.
Identifiers: ClinVar variation 1309795 (VCV001309795.2), dbSNP rs2147372782, ClinGen allele CA413662236.